The following is an entry in ClinVar:

NM_003193.5(TBCE):c.281G>A (p.Gly94Glu)

Gene: TBCE (tubulin folding cofactor E; plus strand). Cytogenetic location: 1q42.3.
Variant type: single nucleotide variant.
Coding change: c.281G>A on transcript NM_003193.5 (MANE Select); coding-DNA position 281, G replaced by A.
Protein change: p.Gly94Glu; replaces glycine 94 with glutamic acid.
Molecular consequence: missense variant. On other transcripts: 5 prime UTR variant (1).
Genome position (GRCh38, 1-based): chr1:235,414,528, G>A. VCF-style: chr1-235414528-G-A. GRCh37 (hg19) VCF-style: chr1-235577843-G-A.
Other names: c.281G>A, p.Gly94Glu (NM_001079515.3, NM_001287801.2); c.-115G>A (NM_001287802.2); c.281G>A (NM_001287801.1); short protein forms G94E.
Identifiers: ClinVar variation 593381 (VCV000593381.18), dbSNP rs148616786, ClinGen allele CA1463991.

ClinVar aggregate classification (germline): Likely benign. Review status: criteria provided, multiple submitters, no conflicts (2 of 4 stars). 5 submissions from 5 submitters: Likely benign (5). Last evaluated 2026-02-02.

Conditions:
TBCE-related disorder. Also called: TBCE-related disorders; TBCE-related condition.
Hypoparathyroidism-retardation-dysmorphism syndrome (HRDS). Also called: SANJAD-SAKATI SYNDROME. Identifiers: Orphanet 2323, MedGen C1855840, MONDO:0009426, OMIM 241410.

Allele frequency attached by ClinVar (database versions not stated): gnomAD exomes 0.00010 and 0.00027; ExAC 0.00034; 1000 Genomes Project 30x 0.00078; 1000 Genomes Project 0.00080; gnomAD 0.00113 and 0.00122; ESP Exome Variant Server 0.00123; TOPMed 0.00124.
gnomAD v4.1: 328 of 1,613,874 alleles (0.02%); highest among the groups gnomAD compares: African/African-American, 0.38%; 3 homozygotes.

Submissions (5):

Labcorp Genetics (formerly Invitae), Labcorp
Classification: Likely benign. Last evaluated: 2026-02-02. Review status: criteria provided, single submitter. Criteria: Invitae Variant Classification Sherloc (09022015). Collection method: clinical testing. Allele origin: germline.

PreventionGenetics, part of Exact Sciences
Classification: Likely benign for TBCE-related condition. Last evaluated: 2025-04-22. Review status: criteria provided, single submitter. Criteria: ACMG Guidelines, 2015. Collection method: clinical testing. Allele origin: germline.
Comment: This variant is classified as likely benign based on ACMG/AMP sequence variant interpretation guidelines (Richards et al. 2015 PMID: 25741868, with internal and published modifications).

Blueprint Genetics
Classification: Likely benign. Last evaluated: 2024-09-16. Review status: criteria provided, single submitter. Criteria: ACMG Guidelines, 2015. Collection method: clinical testing. Allele origin: germline.

Illumina Laboratory Services, Illumina
Classification: Likely benign for Hypoparathyroidism-retardation-dysmorphism syndrome. Last evaluated: 2018-01-12. Review status: criteria provided, single submitter. Criteria: ICSL Variant Classification Criteria 13 December 2019. Collection method: clinical testing. Allele origin: germline.
Comment: This variant was observed in the ICSL laboratory as part of a predisposition screen in an ostensibly healthy population. It had not been previously curated by ICSL or reported in the Human Gene Mutation Database (HGMD: prior to June 1st, 2018), and was therefore a candidate for classification through an automated scoring system. Utilizing variant allele frequency, disease prevalence and penetrance estimates, and inheritance mode, an automated score was calculated to assess if this variant is too frequent to cause the disease. Based on the score and internal cut-off values, a variant classified as likely benign is not then subjected to further curation. The score for this variant resulted in a classification of likely benign for this disease.

Eurofins Ntd Llc (ga)
Classification: Likely benign. Last evaluated: 2017-07-28. Review status: criteria provided, single submitter. Criteria: EGL Classification Definitions 2015. Collection method: clinical testing. Allele origin: germline. Observed: 1 variant allele, 1 heterozygote.